The following is an entry in ClinVar:

ClinVar aggregate classification (germline): Uncertain significance (1 of 4 stars; one submission).

Submission:

GeneDx
Classification: Uncertain significance. Last evaluated: 2019-12-18. Review status: criteria provided, single submitter. Criteria: GeneDx Variant Classification Process June 2021. Collection method: clinical testing. Allele origin: germline. Affected: yes.
Comment: Not observed in large population cohorts (Lek et al., 2016); In-frame deletion of 3 amino acids in a non-repeat region; In silico analysis, which includes protein predictors and evolutionary conservation, supports a deleterious effect; Has not been previously published as pathogenic or benign to our knowledge

NM_004187.5(KDM5C):c.4337_4345del (p.His1446_Ser1448del)

Gene: KDM5C (lysine demethylase 5C; minus strand). Cytogenetic location: Xp11.22.
Variant type: Deletion.
Coding change: c.4337_4345del on transcript NM_004187.5 (MANE Select); coding-DNA positions 4337 to 4345, 9 bases deleted (ACGGGAGTC; older notation c.4337_4345delACGGGAGTC).
Protein change: p.His1446_Ser1448del.
Molecular consequence: inframe deletion. On other transcripts: intron variant (5).
Genome position (GRCh38, 1-based): chrX:53,193,305-53,193,313, GACTCCCGT deleted on the plus strand (ACGGGAGTC on the coding strand, the reverse complement: KDM5C is on the minus strand); deleting any 9 consecutive bases within chrX:53,193,305-53,193,316 gives the same sequence; the c. name uses the placement nearest the transcript's 3' end. VCF-style (leftmost placement, unchanged base first): chrX-53193304-CGACTCCCGT-C. GRCh37 (hg19) VCF-style: chrX-53222486-CGACTCCCGT-C.
Other names: c.4334_4342del, p.His1445_Ser1447del (NM_001282622.3); c.4328_4336del, p.His1443_Ser1445del (NM_001353978.3); c.4305+124_4305+132del (NM_001353982.2); c.4314+124_4314+132del (NM_001353979.2); c.4308+124_4308+132del (NM_001353981.2, NM_001353984.2); c.4046+185_4046+193del (NM_001146702.2).
Identifiers: ClinVar variation 1311570 (VCV001311570.2), dbSNP rs2146813578, ClinGen allele CA2573055360.